The following is an entry in ClinVar:

NM_000057.4(BLM):c.2449_2450insCTCCCTCTCCCGTCTCCCTCTCCCTCTCCCGGCTCCCTCTCCCTCTCCCGGCGCGCGCTCGCGCTCCCGTGGCCGGGTGCCGCTCCCNNNNNNNNNNAAAAAAAAAAAAAAAAAAAAAAAAGAATGAATATGC (p.Leu817fs)

Gene: BLM (BLM RecQ like helicase; plus strand). Cytogenetic location: 15q26.1.
Variant type: Microsatellite.
Coding change: c.2449_2450insCTCCCTCTCCCGTCTCCCTCTCCCTCTCCCGGCTCCCTCTCCCTCTCCCGGCGCGCGCTCGCGCTCCCGTGGCCGGGTGCCGCTCCCNNNNNNNNNNAAAAAAAAAAAAAAAAAAAAAAAAGAATGAATATGC on transcript NM_000057.4 (MANE Select); coding-DNA positions 2449 to 2450, CTCCCTCTCCCGTCTCCCTCTCCCTCTCCCGGCTCCCTCTCCCTCTCCCGGCGCGCGCTCGCGCTCCCGTGGCCGGGTGCCGCTCCCNNNNNNNNNNAAAAAAAAAAAAAAAAAAAAAAAAGAATGAATATGC inserted.
Protein change: p.Leu817fs; shifts the reading frame from leucine 817.
Molecular consequence: frameshift variant.
Genome position: GRCh38: chr15:90,769,465-90,769,480. GRCh37 (hg19): chr15:91,312,695-91,312,710.
Other names: c.2449_2450insCTCCCTCTCCCGTCTCCCTCTCCCTCTCCCGGCTCCCTCTCCCTCTCCCGGCGCGCGCTCGCGCTCCCGTGGCCGGGTGCCGCTCCCNNNNNNNNNNAAAAAAAAAAAAAAAAAAAAAAAAGAATGAATATGC, p.Leu817fs (NM_001287246.2, NM_001287247.2); c.1324_1325insCTCCCTCTCCCGTCTCCCTCTCCCTCTCCCGGCTCCCTCTCCCTCTCCCGGCGCGCGCTCGCGCTCCCGTGGCCGGGTGCCGCTCCCNNNNNNNNNNAAAAAAAAAAAAAAAAAAAAAAAAGAATGAATATGC, p.Leu442fs (NM_001287248.2); short protein forms L442fs, L817fs.
Identifiers: ClinVar variation 2125738 (VCV002125738.4).

ClinVar aggregate classification (germline): Pathogenic (1 of 4 stars; one submission).

Conditions:
Bloom syndrome (BLM). Also called: Bloom-Torre-Machacek syndrome. Identifiers: Orphanet 125, MedGen C0005859, MONDO:0008876, OMIM 210900.

Submission:

Labcorp Genetics (formerly Invitae), Labcorp
Classification: Pathogenic for Bloom syndrome. Last evaluated: 2021-11-22. Review status: criteria provided, single submitter. Criteria: Invitae Variant Classification Sherloc (09022015). Collection method: clinical testing. Allele origin: germline.
Comment: This sequence change inserts a large fragment of DNA, likely a transposable element, in exon 12 of the BLM gene (c.2449_2450ins?), causing a frameshift at codon 817 (p.Leu817fs). The exact size and sequence of the insertion cannot be determined by the current assay. However, the insertion is expected to result in an absent or disrupted protein product. This variant is not present in population databases (gnomAD no frequency). This variant has not been reported in the literature in individuals affected with BLM-related conditions. Retrotransposon insertions including LINE1 (L1), Alu, and SVA (SINE-VNTR-Alu) have been reported to be disease-causing through disruption of either a coding region or splice site (PMID: 19763152, 20307669, 22406018) and loss-of-function variants in BLM are known to be pathogenic (PMID: 17407155). For these reasons, this variant has been classified as Pathogenic.

Literature cited by the submitters: PubMed 19763152; PubMed 20307669; PubMed 22406018; PubMed 17407155.